The following is an entry in ClinVar:

ClinVar aggregate classification (germline): Benign. Review status: reviewed by expert panel (3 of 4 stars). 14 submissions from 14 submitters: Benign (1). 13 of the submissions do not count toward it. Last evaluated 2025-01-08.

Conditions:
Autosomal recessive limb-girdle muscular dystrophy. Identifiers: Orphanet 102015, MedGen C2931907, MONDO:0015152.
Neuromuscular disease caused by qualitative or quantitative defects of dysferlin. Also called: Qualitative or quantitative defects of dysferlin; Dysferlinopathy. Identifiers: Orphanet 207073, MedGen C2931687, MONDO:0016145.
Autosomal recessive limb-girdle muscular dystrophy type 2B (LGMDR2). Also called: MUSCULAR DYSTROPHY, LIMB-GIRDLE, TYPE 3; Limb-Girdle Muscular Dystrophy Type 2B (LGMD2B); MUSCULAR DYSTROPHY, LIMB-GIRDLE, AUTOSOMAL RECESSIVE 2; Limb-girdle muscular dystrophy, type 2B. Identifiers: Orphanet 268, MedGen C1850889, MONDO:0009676, OMIM 253601.

Allele frequency attached by ClinVar (database versions not stated): 1000 Genomes Project 0.03135; 1000 Genomes Project 30x 0.03186; TOPMed 0.04001; gnomAD 0.04349 and 0.04117; gnomAD exomes 0.02320 and 0.02416; ESP Exome Variant Server 0.04298; ExAC 0.02581.
gnomAD v4.1: 41,481 of 1,614,180 alleles (2.6%); highest among the groups gnomAD compares: African/African-American, 8.7%; 766 homozygotes.

Submissions (14):

ClinGen Limb Girdle Muscular Dystrophy Variant Curation Expert Panel, ClinGen
Classification: Benign for Autosomal recessive limb-girdle muscular dystrophy. Last evaluated: 2025-01-08. Review status: reviewed by expert panel. Criteria: ClinGen LGMD VCEP ACMG Specifications DYSF V1.0.0. Collection method: curation. Allele origin: germline. Inheritance: Autosomal recessive inheritance.
Comment: The NM_003494.4: c.2500A>G variant in DYSF, which is also known as NM_001130987.2: c.2554A>G p.(Ile852Val), is a missense variant predicted to cause substitution of isoleucine by valine at amino acid 834 (p.Ile834Val). The filtering allele frequency of the variant is 0.08367 for African/African American genome chromosomes in gnomAD v2.1.1 (the lower threshold of the 95% CI of 1541/31380), which is higher than the VCEP threshold of 0.003 (BA1). The SpliceAI score for this variant is 0, which suggests it does not impact splicing and is below the LGMD VCEP threshold of ≤0.05. The computational predictor REVEL gives a score of 0.08, which is below the LGMD VCEP threshold predicting a benign impact on DYSF function (≤0.1) (BP4). In summary, this variant meets the criteria to be classified as Benign for autosomal recessive limb girdle muscular dystrophy based on the ACMG/AMP criteria applied, as specified by the ClinGen LGMD VCEP (LGMD VCEP specifications version 1.0.0; 01/08/2025): BA1, BP4.

Women's Health and Genetics/Laboratory Corporation of America, LabCorp
Classification: Likely benign. Last evaluated: 2026-06-12. Review status: criteria provided, single submitter. Criteria: LabCorp Variant Classification Summary - May 2015. Collection method: clinical testing. Allele origin: germline. Not counted in ClinVar's aggregate classification.

Labcorp Genetics (formerly Invitae), Labcorp
Classification: Benign for Neuromuscular disease caused by qualitative or quantitative defects of dysferlin. Last evaluated: 2026-02-04. Review status: criteria provided, single submitter. Criteria: Invitae Variant Classification Sherloc (09022015). Collection method: clinical testing. Allele origin: germline. Not counted in ClinVar's aggregate classification.

Athena Diagnostics
Classification: Benign. Last evaluated: 2025-02-12. Review status: criteria provided, single submitter. Criteria: Athena Diagnostics Criteria. Collection method: clinical testing. Allele origin: unknown. Not counted in ClinVar's aggregate classification.
Comment: The frequency of this variant in the general population is higher than would generally be expected for pathogenic variants in this gene.

Illumina Laboratory Services, Illumina
Classification: Likely benign for Qualitative or quantitative defects of dysferlin. Last evaluated: 2018-01-12. Review status: criteria provided, single submitter. Criteria: ICSL Variant Classification Criteria 13 December 2019. Collection method: clinical testing. Allele origin: germline. Not counted in ClinVar's aggregate classification.
Comment: This variant was observed in the ICSL laboratory as part of a predisposition screen in an ostensibly healthy population. It had not been previously curated by ICSL or reported in the Human Gene Mutation Database (HGMD: prior to June 1st, 2018), and was therefore a candidate for classification through an automated scoring system. Utilizing variant allele frequency, disease prevalence and penetrance estimates, and inheritance mode, an automated score was calculated to assess if this variant is too frequent to cause the disease. Based on the score and internal cut-off values, a variant classified as likely benign is not then subjected to further curation. The score for this variant resulted in a classification of likely benign for this disease.

Mayo Clinic Laboratories, Mayo Clinic
Classification: Benign. Last evaluated: 2017-12-06. Review status: criteria provided, single submitter. Criteria: ACMG Guidelines, 2015. Collection method: clinical testing. Allele origin: germline. Observed: 66 variant alleles. Not counted in ClinVar's aggregate classification.

GeneDx
Classification: Benign. Last evaluated: 2016-02-02. Review status: criteria provided, single submitter. Criteria: GeneDx Variant Classification (06012015). Collection method: clinical testing. Allele origin: germline. Affected: yes. Not counted in ClinVar's aggregate classification.
Comment: This variant is considered likely benign or benign based on one or more of the following criteria: it is a conservative change, it occurs at a poorly conserved position in the protein, it is predicted to be benign by multiple in silico algorithms, and/or has population frequency not consistent with disease.

Eurofins Ntd Llc (ga)
Classification: Benign. Last evaluated: 2012-07-12. Review status: criteria provided, single submitter. Criteria: EGL Classification Definitions 2015. Collection method: clinical testing. Allele origin: germline. Observed: 11 variant alleles, 11 heterozygotes. Not counted in ClinVar's aggregate classification.

Breakthrough Genomics
Classification: Likely benign. Review status: criteria provided, single submitter. Criteria: ACMG Guidelines, 2015. Collection method: not provided. Allele origin: germline. Inheritance: Autosomal recessive inheritance. Affected: yes. Not counted in ClinVar's aggregate classification.

PreventionGenetics, part of Exact Sciences
Classification: Benign. Review status: criteria provided, single submitter. Criteria: ACMG Guidelines, 2015. Collection method: clinical testing. Allele origin: germline. Not counted in ClinVar's aggregate classification.

Natera, Inc.
Classification: Benign for Limb-girdle muscular dystrophy type 2B. Last evaluated: 2020-09-16. Review status: no assertion criteria provided. Collection method: clinical testing. Allele origin: germline. Not counted in ClinVar's aggregate classification.

Genetic Services Laboratory, University of Chicago
Classification: Likely benign for AllHighlyPenetrant. Review status: no assertion criteria provided. Collection method: clinical testing. Allele origin: germline. Inheritance: Autosomal recessive inheritance. Not counted in ClinVar's aggregate classification.
Comment: Likely benign based on allele frequency in 1000 Genomes Project or ESP global frequency and its presence in a patient with a rare or unrelated disease phenotype. NOT Sanger confirmed.

Genome Diagnostics Laboratory, University Medical Center Utrecht
Classification: Likely benign. Review status: no assertion criteria provided. Collection method: clinical testing. Allele origin: germline. Affected: yes. Study: VKGL Data-share Consensus. Not counted in ClinVar's aggregate classification.

Laboratory of Diagnostic Genome Analysis, Leiden University Medical Center (LUMC)
Classification: Benign. Review status: no assertion criteria provided. Collection method: clinical testing. Allele origin: germline. Affected: yes. Study: VKGL Data-share Consensus. Not counted in ClinVar's aggregate classification.

NM_001130987.2(DYSF):c.2554A>G (p.Ile852Val)

Gene: DYSF (dysferlin; plus strand). Cytogenetic location: 2p13.2.
Variant type: single nucleotide variant.
Coding change: c.2554A>G on transcript NM_001130987.2 (MANE Select); coding-DNA position 2554, A replaced by G.
Protein change: p.Ile852Val; replaces isoleucine 852 with valine.
Molecular consequence: missense variant.
Genome position (GRCh38, 1-based): chr2:71,564,202, A>G. VCF-style: chr2-71564202-A-G. GRCh37 (hg19) VCF-style: chr2-71791332-A-G.
Other names: NM_001130987.2(DYSF):c.2554A>G; p.Ile852Val; c.2503A>G, p.Ile835Val (NM_001130455.2, NM_001130983.2); c.2458A>G, p.Ile820Val (NM_001130976.2, NM_001130977.2); c.2500A>G, p.Ile834Val (NM_001130978.2, NM_003494.4); c.2593A>G, p.Ile865Val (NM_001130979.2); c.2551A>G, p.Ile851Val (NM_001130980.2, NM_001130981.2); c.2596A>G, p.Ile866Val (NM_001130982.2); and 2 more; short protein forms I834V, I852V, I821V, I820V, I835V, I851V, I866V, I865V.
Identifiers: ClinVar variation 94289 (VCV000094289.29), dbSNP rs34671418, ClinGen allele CA147734.